The following is an entry in ClinVar:

NM_001042492.3(NF1):c.1529A>C (p.Asn510Thr)

Gene: NF1 (neurofibromin 1; plus strand). Cytogenetic location: 17q11.2.
Variant type: single nucleotide variant.
Coding change: c.1529A>C on transcript NM_001042492.3 (MANE Select); coding-DNA position 1529, A replaced by C.
Protein change: p.Asn510Thr; replaces asparagine 510 with threonine.
Molecular consequence: missense variant.
Genome position (GRCh38, 1-based): chr17:31,219,006, A>C. VCF-style: chr17-31219006-A-C. GRCh37 (hg19) VCF-style: chr17-29546024-A-C.
Other names: c.1529A>C, p.Asn510Thr (NM_000267.4, NM_001128147.3); short protein forms N510T.
Identifiers: ClinVar variation 582137 (VCV000582137.5), dbSNP rs876660091, ClinGen allele CA399001814.

ClinVar aggregate classification (germline): Uncertain significance (1 of 4 stars; one submission).

Conditions:
Neurofibromatosis, type 1 (NF1). Also called: Peripheral type neurofibromatosis; VON RECKLINGHAUSEN DISEASE; NEUROFIBROMATOSIS, TYPE I, SOMATIC; Neurofibromatosis, type I. Identifiers: Orphanet 636, MedGen C0027831, MONDO:0018975, OMIM 162200. Disease mechanism: loss of function.

Submission:

Labcorp Genetics (formerly Invitae), Labcorp
Classification: Uncertain significance for Neurofibromatosis, type 1. Last evaluated: 2022-02-20. Review status: criteria provided, single submitter. Criteria: Invitae Variant Classification Sherloc (09022015). Collection method: clinical testing. Allele origin: germline.
Comment: This variant has not been reported in the literature in individuals affected with NF1-related conditions. In summary, the available evidence is currently insufficient to determine the role of this variant in disease. Therefore, it has been classified as a Variant of Uncertain Significance. Algorithms developed to predict the effect of missense changes on protein structure and function are either unavailable or do not agree on the potential impact of this missense change (SIFT: "Tolerated"; PolyPhen-2: "Probably Damaging"; Align-GVGD: "Class C0"). ClinVar contains an entry for this variant (Variation ID: 582137). This variant is not present in population databases (gnomAD no frequency). This sequence change replaces asparagine, which is neutral and polar, with threonine, which is neutral and polar, at codon 510 of the NF1 protein (p.Asn510Thr).